The following is an entry in ClinVar:

NM_013275.6(ANKRD11):c.4407G>C (p.Trp1469Cys)

Gene: ANKRD11 (ankyrin repeat domain 11; minus strand). Cytogenetic location: 16q24.3.
Variant type: single nucleotide variant.
Coding change: c.4407G>C on transcript NM_013275.6 (MANE Select); coding-DNA position 4407, G replaced by C.
Protein change: p.Trp1469Cys; replaces tryptophan 1469 with cysteine.
Molecular consequence: missense variant.
Genome position (GRCh38, 1-based): chr16:89,282,135, C>G on the plus strand (G>C on the coding strand, the complement: ANKRD11 is on the minus strand). VCF-style: chr16-89282135-C-G. GRCh37 (hg19) VCF-style: chr16-89348543-C-G.
Other names: c.4407G>C, p.Trp1469Cys (NM_001256182.2, NM_001256183.2); short protein forms W1469C.
Identifiers: ClinVar variation 3901036 (VCV003901036.1).

ClinVar aggregate classification (germline): Uncertain significance (1 of 4 stars; one submission).

Conditions:
KBG syndrome (KBGS). Also called: ANKRD11-Related KBG Syndrome. Identifiers: Orphanet 2332, MedGen C0220687, MONDO:0007846, OMIM 148050.

Submission:

Laboratorio de Genetica e Diagnostico Molecular, Hospital Israelita Albert Einstein
Classification: Uncertain significance for KBG syndrome. Last evaluated: 2024-11-21. Review status: criteria provided, single submitter. Criteria: ACMG Guidelines, 2015. Collection method: clinical testing. Allele origin: germline. Affected: yes.
Comment: ACMG classification criteria: PM2 supporting, BP4 supporting